The following is an entry in ClinVar:

ClinVar aggregate classification (germline): Uncertain significance (1 of 4 stars; one submission).

gnomAD v4.1: 1 of 152,014 alleles (0.00066%); highest among the groups gnomAD compares: Admixed American, 0.0065%; no homozygotes.

Submission:

Greenwood Genetic Center Diagnostic Laboratories, Greenwood Genetic Center
Classification: Uncertain significance. Last evaluated: 2025-12-31. Review status: criteria provided, single submitter. Criteria: ACMG Guidelines, 2015. Collection method: clinical testing. Allele origin: germline. Affected: yes.
Comment: PM2, BP4

NM_001384732.1(CPLANE1):c.8792+2809G>C

Gene: CPLANE1 (ciliogenesis and planar polarity effector complex subunit 1; minus strand). Cytogenetic location: 5p13.2.
Variant type: single nucleotide variant.
Coding change: c.8792+2809G>C on transcript NM_001384732.1 (MANE Select); 2809 bases into the intron after coding-DNA position 8792, G replaced by C.
Molecular consequence: intron variant.
Genome position (GRCh38, 1-based): chr5:37,135,911, C>G on the plus strand (G>C on the coding strand, the complement: CPLANE1 is on the minus strand). VCF-style: chr5-37135911-C-G. GRCh37 (hg19) VCF-style: chr5-37136013-C-G.
Other names: c.8630+2809G>C (NM_023073.4).
Identifiers: ClinVar variation 4845567 (VCV004845567.1).